The following is an entry in ClinVar:

NM_017617.5(NOTCH1):c.5921A>G (p.Gln1974Arg)

Gene: NOTCH1 (notch receptor 1; minus strand). Cytogenetic location: 9q34.3.
Variant type: single nucleotide variant.
Coding change: c.5921A>G on transcript NM_017617.5 (MANE Select); coding-DNA position 5921, A replaced by G.
Protein change: p.Gln1974Arg; replaces glutamine 1974 with arginine.
Molecular consequence: missense variant.
Genome position (GRCh38, 1-based): chr9:136,500,565, T>C on the plus strand (A>G on the coding strand, the complement: NOTCH1 is on the minus strand). VCF-style: chr9-136500565-T-C. GRCh37 (hg19) VCF-style: chr9-139395017-T-C.
Other names: c.5921A>G (NM_017617.3); short protein forms Q1974R.
Identifiers: ClinVar variation 3704433 (VCV003704433.3).

ClinVar aggregate classification (germline): Uncertain significance. Review status: criteria provided, multiple submitters, no conflicts (2 of 4 stars). 2 submissions from 2 submitters: Uncertain significance (2). Last evaluated 2026-02-22.

Conditions:
Adams-Oliver syndrome 5 (AOS5). Identifiers: Orphanet 974, MedGen C4014970, MONDO:0014459, OMIM 616028.
Familial thoracic aortic aneurysm and aortic dissection (TAAD). Also called: Thoracic aortic aneurysms and dissections. Identifiers: Orphanet 91387, MedGen C4707243, MONDO:0019625.

gnomAD v4.1: 13 of 1,611,258 alleles (0.00081%); highest among the groups gnomAD compares: Non-Finnish European, 0.0011%; no homozygotes.

Submissions (2):

Ambry Genetics
Classification: Uncertain significance for Familial thoracic aortic aneurysm and aortic dissection. Last evaluated: 2026-02-22. Review status: criteria provided, single submitter. Criteria: Ambry Variant Classification Scheme 2023. Collection method: clinical testing. Allele origin: germline.
Comment: The p.Q1974R variant (also known as c.5921A>G), located in coding exon 31 of the NOTCH1 gene, results from an A to G substitution at nucleotide position 5921. The glutamine at codon 1974 is replaced by arginine, an amino acid with highly similar properties. This amino acid position is conserved. In addition, this alteration is predicted to be tolerated by in silico analysis. Based on the available evidence, the clinical significance of this variant remains unclear.

Labcorp Genetics (formerly Invitae), Labcorp
Classification: Uncertain significance for Adams-Oliver syndrome 5. Last evaluated: 2026-01-06. Review status: criteria provided, single submitter. Criteria: Invitae Variant Classification Sherloc (09022015). Collection method: clinical testing. Allele origin: germline.
Comment: This sequence change replaces glutamine, which is neutral and polar, with arginine, which is basic and polar, at codon 1974 of the NOTCH1 protein (p.Gln1974Arg). This variant is not present in population databases (gnomAD no frequency). This variant has not been reported in the literature in individuals affected with NOTCH1-related conditions. ClinVar contains an entry for this variant (Variation ID: 3704433). Invitae Evidence Modeling of protein sequence and biophysical properties (such as structural, functional, and spatial information, amino acid conservation, physicochemical variation, residue mobility, and thermodynamic stability) indicates that this missense variant is not expected to disrupt NOTCH1 protein function with a negative predictive value of 80%. In summary, the available evidence is currently insufficient to determine the role of this variant in disease. Therefore, it has been classified as a Variant of Uncertain Significance.